The following is an entry in ClinVar:

NM_001135651.3(EIF2AK2):c.1546C>T (p.Gln516Ter)

Gene: EIF2AK2 (eukaryotic translation initiation factor 2 alpha kinase 2; minus strand). Cytogenetic location: 2p22.2.
Variant type: single nucleotide variant.
Coding change: c.1546C>T on transcript NM_001135651.3 (MANE Select); coding-DNA position 1546, C replaced by T.
Protein change: p.Gln516Ter; replaces glutamine 516 with a stop codon.
Molecular consequence: nonsense.
Genome position (GRCh38, 1-based): chr2:37,107,383, G>A on the plus strand (C>T on the coding strand, the complement: EIF2AK2 is on the minus strand). VCF-style: chr2-37107383-G-A. GRCh37 (hg19) VCF-style: chr2-37334526-G-A.
Other names: c.1423C>T, p.Gln475Ter (NM_001135652.3); c.1546C>T, p.Gln516Ter (NM_002759.4); short protein forms Q475*, Q516*.
Identifiers: ClinVar variation 3367652 (VCV003367652.1).

ClinVar aggregate classification (germline): Uncertain significance (1 of 4 stars; one submission).

Submission:

GeneDx
Classification: Uncertain significance. Last evaluated: 2024-01-07. Review status: criteria provided, single submitter. Criteria: GeneDx Variant Classification Process June 2021. Collection method: clinical testing. Allele origin: germline. Affected: yes.
Comment: Not observed at significant frequency in large population cohorts (gnomAD); Nonsense variant predicted to result in protein truncation in a gene or region of a gene for which loss of function is not a well-established mechanism of disease; Has not been previously published as pathogenic or benign to our knowledge